The following is an entry in ClinVar:

ClinVar aggregate classification (germline): Benign. Review status: criteria provided, multiple submitters, no conflicts (2 of 4 stars). 7 submissions from 7 submitters: Benign (6). 1 of the submissions does not count toward it. Last evaluated 2026-02-03.

Conditions:
Hereditary diffuse leukoencephalopathy with spheroids. Also called: LEUKOENCEPHALOPATHY, ADULT-ONSET, WITH AXONAL SPHEROIDS AND PIGMENTED GLIA. Identifiers: Orphanet 313808, MedGen C3711381, MONDO:0030796.

Allele frequency attached by ClinVar (database versions not stated): ESP Exome Variant Server 0.07377; gnomAD exomes 0.07807 and 0.09894; gnomAD 0.08472 and 0.08919; TOPMed 0.09516; ExAC 0.11924; 1000 Genomes Project 30x 0.14678; 1000 Genomes Project 0.15335.
gnomAD v4.1: 121,243 of 1,520,942 alleles (8%); highest among the groups gnomAD compares: East Asian, 32%; 6,662 homozygotes.

Submissions (7):

Labcorp Genetics (formerly Invitae), Labcorp
Classification: Benign. Last evaluated: 2026-02-03. Review status: criteria provided, single submitter. Criteria: Invitae Variant Classification Sherloc (09022015). Collection method: clinical testing. Allele origin: germline.

Blueprint Genetics
Classification: Benign. Last evaluated: 2024-11-26. Review status: criteria provided, single submitter. Criteria: ACMG Guidelines, 2015. Collection method: clinical testing. Allele origin: germline.

Mayo Clinic Laboratories, Mayo Clinic
Classification: Benign. Last evaluated: 2022-12-27. Review status: criteria provided, single submitter. Criteria: ACMG Guidelines, 2015. Collection method: clinical testing. Allele origin: germline. Observed: 218 variant alleles.
Comment: BA1, BP4

GeneDx
Classification: Benign. Last evaluated: 2021-05-04. Review status: criteria provided, single submitter. Criteria: GeneDx Variant Classification Process June 2021. Collection method: clinical testing. Allele origin: germline. Affected: yes.
Comment: This variant is associated with the following publications: (PMID: 31182772, 30136118, 28724665, 25144241)

Illumina Laboratory Services, Illumina
Classification: Benign for Leukoencephalopathy, diffuse hereditary, with spheroids 1. Last evaluated: 2018-01-12. Review status: criteria provided, single submitter. Criteria: ICSL Variant Classification Criteria 13 December 2019. Collection method: clinical testing. Allele origin: germline.
Comment: This variant was observed in the ICSL laboratory as part of a predisposition screen in an ostensibly healthy population. It had not been previously curated by ICSL or reported in the Human Gene Mutation Database (HGMD: prior to June 1st, 2018), and was therefore a candidate for classification through an automated scoring system. Utilizing variant allele frequency, disease prevalence and penetrance estimates, and inheritance mode, an automated score was calculated to assess if this variant is too frequent to cause the disease. Based on the score and internal cut-off values, a variant classified as benign is not then subjected to further curation. The score for this variant resulted in a classification of benign for this disease.

Clinical Genetics DNA and cytogenetics Diagnostics Lab, Erasmus MC, Erasmus Medical Center
Classification: Benign for Leukoencephalopathy, diffuse hereditary, with spheroids 1. Last evaluated: 2015-09-21. Review status: criteria provided, single submitter. Criteria: ACGS Guidelines, 2013. Collection method: clinical testing. Allele origin: germline. Affected: yes. Study: VKGL Data-share Consensus.

Genome Diagnostics Laboratory, Amsterdam University Medical Center
Classification: Benign for Leukoencephalopathy, diffuse hereditary, with spheroids 1. Last evaluated: 2014-12-22. Review status: no assertion criteria provided. Criteria: ACGS Guidelines, 2013. Collection method: clinical testing. Allele origin: germline. Affected: yes. Study: VKGL Data-share Consensus. Not counted in ClinVar's aggregate classification.

NM_001288705.3(CSF1R):c.1085A>G (p.His362Arg)

Gene: CSF1R (colony stimulating factor 1 receptor; minus strand). Cytogenetic location: 5q32.
Variant type: single nucleotide variant.
Coding change: c.1085A>G on transcript NM_001288705.3 (MANE Select); coding-DNA position 1085, A replaced by G.
Protein change: p.His362Arg; replaces histidine 362 with arginine.
Molecular consequence: missense variant. On other transcripts: non-coding transcript variant (2).
Genome position (GRCh38, 1-based): chr5:150,070,569, T>C on the plus strand (A>G on the coding strand, the complement: CSF1R is on the minus strand). VCF-style: chr5-150070569-T-C. GRCh37 (hg19) VCF-style: chr5-149450132-T-C.
Other names: c.1085A>G, p.His362Arg (NM_001349736.2, NM_001375320.1, NM_005211.4); c.641A>G, p.His214Arg (NM_001375321.1); short protein forms H362R, H214R.
Identifiers: ClinVar variation 352157 (VCV000352157.19), dbSNP rs10079250, ClinGen allele CA3506944.
Genomic context (GRCh38, chr5:150,070,569, plus strand): 5'-AGGAAGGAGTAGCGGCCAGCCTCAGAGGGCTTCAGGCGGGGCAGAGAGAGGGTGAAGGTG[T>C]GCCTGCAGGAGAGAATCAGGTGGTGTTGGTGAGCCCCAGCCTAGTATGGCCCCTGCCAGG-3'
Protein context (NP_001275634.1, residues 352-372): ANATTKDTYR[His362Arg]TFTLSLPRLK